The following is an entry in ClinVar:

ClinVar aggregate classification (germline): Pathogenic. Review status: criteria provided, multiple submitters, no conflicts (2 of 4 stars). 8 submissions from 8 submitters: Pathogenic (7). 1 of the submissions does not count toward it. Last evaluated 2025-10-21.

Conditions:
Alstrom syndrome (ALMS). Identifiers: Orphanet 64, MedGen C0268425, MONDO:0008763, OMIM 203800.
ALMS1-related disorder. Also called: ALMS1-related condition.
Cardiovascular phenotype. Identifiers: MedGen CN230736.

Submissions (8):

Labcorp Genetics (formerly Invitae), Labcorp
Classification: Pathogenic for Alstrom syndrome. Last evaluated: 2025-10-21. Review status: criteria provided, single submitter. Criteria: Invitae Variant Classification Sherloc (09022015). Collection method: clinical testing. Allele origin: germline.
Comment: This sequence change creates a premature translational stop signal (p.Glu3773Trpfs*18) in the ALMS1 gene. It is expected to result in an absent or disrupted protein product. Loss-of-function variants in ALMS1 are known to be pathogenic (PMID: 17594715). This variant is present in population databases (rs747272625, gnomAD 0.005%). This premature translational stop signal has been observed in individuals with Alstrom syndrome (PMID: 17594715). ClinVar contains an entry for this variant (Variation ID: 550797). For these reasons, this variant has been classified as Pathogenic.

Natera, Inc.
Classification: Pathogenic for Alstrom syndrome. Last evaluated: 2025-09-19. Review status: criteria provided, single submitter. Criteria: Natera Variant Classification Schema (03/2026). Collection method: clinical testing. Allele origin: germline.
Comment: The c.11316_11319delAGAG variant in ALMS1 is a frameshift variant predicted to shift the reading frame beginning at codon 3773 and leads to a stop codon 18 codons downstream. This variant is expected to result in nonsense mediated decay, truncation, or a dysfunctional protein product. This variant is rare in the general population with a frequency below the threshold expected for the associated phenotype(s). This variant has been observed in one or more individuals affected with the associated recessive disease, as either homozygous or compound heterozygous with a second variant (PMID: 26283575). Given the available evidence, this variant is classified as Pathogenic.

GeneDx
Classification: Pathogenic. Last evaluated: 2024-11-27. Review status: criteria provided, single submitter. Criteria: GeneDx Variant Classification Process June 2021. Collection method: clinical testing. Allele origin: germline. Affected: yes.
Comment: Frameshift variant predicted to result in protein truncation or nonsense mediated decay in a gene for which loss of function is a known mechanism of disease; Not observed at significant frequency in large population cohorts (gnomAD); This variant is associated with the following publications: (PMID: 34426522, 34691145, 17594715)

Blueprint Genetics
Classification: Pathogenic for ALMS1-related disorders. Last evaluated: 2024-07-08. Review status: criteria provided, single submitter. Criteria: ACMG Guidelines, 2015. Collection method: clinical testing. Allele origin: germline. Affected: yes. Observed: 5 variant alleles.

Ambry Genetics
Classification: Pathogenic for Cardiovascular phenotype. Last evaluated: 2022-03-15. Review status: criteria provided, single submitter. Criteria: Ambry Variant Classification Scheme 2023. Collection method: clinical testing. Allele origin: germline.
Comment: The c.11316_11319delAGAG (p.E3773Wfs*18) alteration, located in exon 16 (coding exon 16) of the ALMS1 gene, consists of a deletion of 4 nucleotides from position 11316 to 11319, causing a translational frameshift with a predicted alternate stop codon after 18 amino acids. This alteration is expected to result in loss of function by premature protein truncation or nonsense-mediated mRNA decay. Based on data from gnomAD, this alteration has an overall frequency of <0.01% (6/247766) total alleles studied. The highest observed frequency was 0.01% (6/112268) of European (non-Finnish) alleles. This alteration has been reported homozygous or compound heterozygous in multiple unrelated patients with Alstrom syndrome (Marshall, 2007). Based on the available evidence, this alteration is classified as pathogenic.

Fulgent Genetics
Classification: Pathogenic for Alstrom syndrome. Last evaluated: 2021-08-05. Review status: criteria provided, single submitter. Criteria: ACMG Guidelines, 2015. Collection method: clinical testing. Allele origin: unknown.

MAGI'S LAB - Medical Genetics Laboratory, MAGI GROUP
Classification: Pathogenic for Alstrom syndrome. Last evaluated: 2020-08-04. Review status: criteria provided, single submitter. Criteria: ACMG Guidelines, 2015. Collection method: clinical testing. Allele origin: maternal. Inheritance: Autosomal recessive inheritance. Affected: yes. Observed: 1 compound heterozygote.
Comment: The p.(Glu3771Trpfs*18) variant has been reported in association with Alstrom syndrome (Marshall 2015). It is a null variant in a gene where loss-of-funcion is a known mechanism of disease. It has been found at extremely low frequency in GnomAD. The variant has been detected in trans with a pathogenic variant, the p.(Thr399Lysfs*11). In summary, the p.(Glu3771Trpfs*18) variant meets the ACMG Guidelines (Richards 2015) criteria to be classified as pathogenic (PVS1, PM2, PM3 and PP5).

Counsyl
Classification: Pathogenic for Alstrom syndrome. Last evaluated: 2017-03-16. Review status: no assertion criteria provided. Collection method: clinical testing. Allele origin: unknown. Not counted in ClinVar's aggregate classification.

Literature cited by the submitters: PubMed 17594715 (cited by Labcorp Genetics (formerly Invitae), Labcorp and Ambry Genetics); PubMed 26283575 (cited by Natera, Inc.); PubMed 25846608 (cited by Counsyl).

NM_001378454.1(ALMS1):c.11313_11316del (p.Glu3772fs)

Gene: ALMS1 (ALMS1 centrosome and basal body associated protein; plus strand). Cytogenetic location: 2p13.1.
Variant type: Microsatellite.
Coding change: c.11313_11316del on transcript NM_001378454.1 (MANE Select); coding-DNA positions 11313 to 11316, 4 bases deleted (AGAG; older notation c.11313_11316delAGAG).
Protein change: p.Glu3772fs; shifts the reading frame from glutamic acid 3772.
Molecular consequence: frameshift variant.
Genome position (GRCh38, 1-based): chr2:73,573,190-73,573,193, AGAG deleted; deleting any 4 consecutive bases within chr2:73,573,188-73,573,193 gives the same sequence; the c. name uses the placement nearest the transcript's 3' end. VCF-style (leftmost placement, unchanged base first): chr2-73573187-TAGAG-T. GRCh37 (hg19) VCF-style: chr2-73800314-TAGAG-T.
Other names: c.11316_11319del, p.Glu3773fs (NM_015120.4); c.11316_11319delAGAG (NM_015120.4); short protein forms E3773fs, E3772fs.
Identifiers: ClinVar variation 550797 (VCV000550797.22), dbSNP rs747272625, ClinGen allele CA1715164.